The following is an entry in ClinVar:

NM_001184880.2(PCDH19):c.2592dup (p.Ile865fs)

Genes: PCDH19 (protocadherin 19; minus strand), LOC125467768 (CDK7 strongly-dependent group 2 enhancer GRCh37_chrX:99657381-99658580; plus strand). Cytogenetic location: Xq22.1.
Variant type: Duplication.
Coding change: c.2592dup on transcript NM_001184880.2 (MANE Select); coding-DNA position 2592, one base duplicated (T; older notation c.2592dupT).
Protein change: p.Ile865fs; shifts the reading frame from isoleucine 865.
Molecular consequence: frameshift variant.
Genome position (GRCh38, 1-based): chrX:100,402,548, A duplicated on the plus strand (T on the coding strand, the reverse complement: PCDH19 is on the minus strand); the first of 2 consecutive A bases (chrX:100,402,548-100,402,549); duplicating either gives the same sequence. VCF-style (leftmost placement, unchanged base first): chrX-100402547-T-TA. GRCh37 (hg19) VCF-style: chrX-99657545-T-TA.
Other names: c.2451dup, p.Ile818fs (NM_001105243.2, NM_020766.3); short protein forms I865fs, I818fs.
Identifiers: ClinVar variation 2746313 (VCV002746313.3), dbSNP rs2520955163, ClinGen allele CA2697553216.

ClinVar aggregate classification (germline): Pathogenic (1 of 4 stars; one submission).

Conditions:
Developmental and epileptic encephalopathy, 9 (DEE9). Also called: Early infantile epileptic encephalopathy 9; JUBERG-HELLMAN SYNDROME; EPILEPSY, FEMALE-RESTRICTED, WITH MENTAL RETARDATION; PCDH19-Related X-Linked Female-Limited Epilepsy with Mental Retardation. Identifiers: Orphanet 101039, Orphanet 2076, MedGen C1848137, MONDO:0010246, OMIM 300088. Disease mechanism: loss of function.

Submission:

Labcorp Genetics (formerly Invitae), Labcorp
Classification: Pathogenic for Developmental and epileptic encephalopathy, 9. Last evaluated: 2023-07-25. Review status: criteria provided, single submitter. Criteria: Invitae Variant Classification Sherloc (09022015). Collection method: clinical testing. Allele origin: germline.
Comment: This variant has not been reported in the literature in individuals affected with PCDH19-related conditions. For these reasons, this variant has been classified as Pathogenic. This variant is not present in population databases (gnomAD no frequency). This sequence change creates a premature translational stop signal (p.Ile865Tyrfs*8) in the PCDH19 gene. It is expected to result in an absent or disrupted protein product. Loss-of-function variants in PCDH19 are known to be pathogenic (PMID: 21053371).

Literature cited by the submitters: PubMed 21053371.